The following is an entry in ClinVar:

ClinVar aggregate classification (germline): Uncertain significance (1 of 4 stars; one submission).

Conditions:
Chédiak-Higashi syndrome (CHS). Also called: Chediak-Higashi Syndrome. Identifiers: Orphanet 167, MedGen C0007965, MONDO:0008963, OMIM 214500.

Allele frequency attached by ClinVar (database versions not stated): gnomAD 0.00001; gnomAD exomes 0.00001.
gnomAD v4.1: 12 of 1,613,508 alleles (0.00074%); highest among the groups gnomAD compares: Non-Finnish European, 0.00093%; no homozygotes.

Submission:

Labcorp Genetics (formerly Invitae), Labcorp
Classification: Uncertain significance for Chédiak-Higashi syndrome. Last evaluated: 2022-07-27. Review status: criteria provided, single submitter. Criteria: Invitae Variant Classification Sherloc (09022015). Collection method: clinical testing. Allele origin: germline.
Comment: This sequence change replaces methionine, which is neutral and non-polar, with threonine, which is neutral and polar, at codon 2622 of the LYST protein (p.Met2622Thr). This variant is present in population databases (no rsID available, gnomAD 0.002%). This variant has not been reported in the literature in individuals affected with LYST-related conditions. ClinVar contains an entry for this variant (Variation ID: 1012087). Algorithms developed to predict the effect of missense changes on protein structure and function are either unavailable or do not agree on the potential impact of this missense change (SIFT: "Deleterious"; PolyPhen-2: "Benign"; Align-GVGD: "Class C0"). In summary, the available evidence is currently insufficient to determine the role of this variant in disease. Therefore, it has been classified as a Variant of Uncertain Significance.

NM_000081.4(LYST):c.7865T>C (p.Met2622Thr)

Gene: LYST (lysosomal trafficking regulator; minus strand). Cytogenetic location: 1q42.3.
Variant type: single nucleotide variant.
Coding change: c.7865T>C on transcript NM_000081.4 (MANE Select); coding-DNA position 7865, T replaced by C.
Protein change: p.Met2622Thr; replaces methionine 2622 with threonine.
Molecular consequence: missense variant.
Genome position (GRCh38, 1-based): chr1:235,746,443, A>G on the plus strand (T>C on the coding strand, the complement: LYST is on the minus strand). VCF-style: chr1-235746443-A-G. GRCh37 (hg19) VCF-style: chr1-235909743-A-G.
Other names: c.7865T>C, p.Met2622Thr (NM_001301365.1); short protein forms M2622T.
Identifiers: ClinVar variation 1012087 (VCV001012087.2), dbSNP rs1381455418, ClinGen allele CA344927460.